The following is an entry in ClinVar:

ClinVar aggregate classification (germline): Uncertain significance. Review status: criteria provided, multiple submitters, no conflicts (2 of 4 stars). 3 submissions from 3 submitters: Uncertain significance (3). Last evaluated 2023-04-11.

Conditions:
Developmental and epileptic encephalopathy, 23 (DEE23). Also called: Epileptic encephalopathy, early infantile, 23. Identifiers: Orphanet 411986, MedGen C4014492, MONDO:0014371, OMIM 615859.

Allele frequency attached by ClinVar (database versions not stated): gnomAD 0.00001.
gnomAD v4.1: 1 of 1,608,268 alleles (0.000062%); highest among the groups gnomAD compares: African/African-American, 0.0013%; no homozygotes.

Submissions (3):

Genome-Nilou Lab
Classification: Uncertain significance for Developmental and epileptic encephalopathy, 23. Last evaluated: 2023-04-11. Review status: criteria provided, single submitter. Criteria: ACMG Guidelines, 2015. Collection method: clinical testing. Allele origin: germline. Affected: no.

GeneDx
Classification: Uncertain significance. Last evaluated: 2022-12-27. Review status: criteria provided, single submitter. Criteria: GeneDx Variant Classification Process June 2021. Collection method: clinical testing. Allele origin: germline. Affected: yes.
Comment: Not observed at significant frequency in large population cohorts (gnomAD); In silico analysis supports that this missense variant has a deleterious effect on protein structure/function; Has not been previously published as pathogenic or benign to our knowledge

Labcorp Genetics (formerly Invitae), Labcorp
Classification: Uncertain significance for Developmental and epileptic encephalopathy, 23. Last evaluated: 2021-12-22. Review status: criteria provided, single submitter. Criteria: Invitae Variant Classification Sherloc (09022015). Collection method: clinical testing. Allele origin: germline.
Comment: In summary, the available evidence is currently insufficient to determine the role of this variant in disease. Therefore, it has been classified as a Variant of Uncertain Significance. Algorithms developed to predict the effect of missense changes on protein structure and function are either unavailable or do not agree on the potential impact of this missense change (SIFT: "Deleterious"; PolyPhen-2: "Possibly Damaging"; Align-GVGD: "Class C0"). This variant has not been reported in the literature in individuals affected with DOCK7-related conditions. This variant is present in population databases (no rsID available, gnomAD 0.01%). This sequence change replaces histidine, which is basic and polar, with leucine, which is neutral and non-polar, at codon 1022 of the DOCK7 protein (p.His1022Leu).

NM_001367561.1(DOCK7):c.3065A>T (p.His1022Leu)

Gene: DOCK7 (dedicator of cytokinesis 7; minus strand). Cytogenetic location: 1p31.3.
Variant type: single nucleotide variant.
Coding change: c.3065A>T on transcript NM_001367561.1 (MANE Select); coding-DNA position 3065, A replaced by T.
Protein change: p.His1022Leu; replaces histidine 1022 with leucine.
Molecular consequence: missense variant.
Genome position (GRCh38, 1-based): chr1:62,539,873, T>A on the plus strand (A>T on the coding strand, the complement: DOCK7 is on the minus strand). VCF-style: chr1-62539873-T-A. GRCh37 (hg19) VCF-style: chr1-63005544-T-A.
Other names: c.3065A>T (NM_001271999.1); c.3065A>T, p.His1022Leu (NM_001271999.2, NM_001330614.2); c.2972A>T, p.His991Leu (NM_001272000.2, NM_001272001.2, NM_033407.4); short protein forms H991L, H1022L.
Identifiers: ClinVar variation 1953166 (VCV001953166.7), dbSNP rs1333564606, ClinGen allele CA340610625.